The following is an entry in ClinVar:

NM_153676.4(USH1C):c.2381-9T>A

Gene: USH1C (USH1 protein network component harmonin; minus strand). Cytogenetic location: 11p15.1.
Variant type: single nucleotide variant.
Coding change: c.2381-9T>A on transcript NM_153676.4 (MANE Select); 9 bases into the intron before coding-DNA position 2381, T replaced by A.
Molecular consequence: intron variant.
Genome position (GRCh38, 1-based): chr11:17,498,280, A>T on the plus strand (T>A on the coding strand, the complement: USH1C is on the minus strand). VCF-style: chr11-17498280-A-T. GRCh37 (hg19) VCF-style: chr11-17519827-A-T.
Other names: c.1424-9T>A (NM_001297764.2); c.1481-9T>A (NM_005709.4).
Identifiers: ClinVar variation 3710502 (VCV003710502.2).

ClinVar aggregate classification (germline): Uncertain significance (1 of 4 stars; one submission).

gnomAD v4.1: 7 of 1,613,866 alleles (0.00043%); highest among the groups gnomAD compares: African/African-American, 0.0093%; no homozygotes.

Submission:

Labcorp Genetics (formerly Invitae), Labcorp
Classification: Uncertain significance. Last evaluated: 2024-11-12. Review status: criteria provided, single submitter. Criteria: Invitae Variant Classification Sherloc (09022015). Collection method: clinical testing. Allele origin: germline.
Comment: This sequence change falls in intron 18 of the USH1C gene. It does not directly change the encoded amino acid sequence of the USH1C protein. This variant is present in population databases (rs762385873, gnomAD 0.01%). This variant has not been reported in the literature in individuals affected with USH1C-related conditions. Algorithms developed to predict the effect of sequence changes on RNA splicing suggest that this variant may disrupt the consensus splice site. In summary, the available evidence is currently insufficient to determine the role of this variant in disease. Therefore, it has been classified as a Variant of Uncertain Significance.